The following is an entry in ClinVar:

NM_006073.4(TRDN):c.110C>G (p.Thr37Arg)

Gene: TRDN (triadin; minus strand). Cytogenetic location: 6q22.31.
Variant type: single nucleotide variant.
Coding change: c.110C>G on transcript NM_006073.4 (MANE Select); coding-DNA position 110, C replaced by G.
Protein change: p.Thr37Arg; replaces threonine 37 with arginine.
Molecular consequence: missense variant.
Genome position (GRCh38, 1-based): chr6:123,571,045, G>C on the plus strand (C>G on the coding strand, the complement: TRDN is on the minus strand). VCF-style: chr6-123571045-G-C. GRCh37 (hg19) VCF-style: chr6-123892190-G-C.
Other names: c.110C>G, p.Thr37Arg (NM_001251987.2, NM_001256020.2, NM_001256021.2 and 2 more transcripts); short protein forms T37R.
Identifiers: ClinVar variation 3973127 (VCV003973127.1).
Genomic context (GRCh38, chr6:123,571,045, plus strand): 5'-ATCAGGGCAATGACCAGAAGCCAGGCTGCAGGGGAGCTGAACGTCGTCACTATGTCTTCT[G>C]TGACTGTCCTCTTCAGCACTTTTCCGGGGGATTTGGGCACAGATCCATTTTTGCTGTCTA-3'
Protein context (NP_006064.2, residues 27-47): SPGKVLKRTV[Thr37Arg]EDIVTTFSSP

ClinVar aggregate classification (germline): Uncertain significance (1 of 4 stars; one submission).

Conditions:
Cardiovascular phenotype. Identifiers: MedGen CN230736.

Submission:

Ambry Genetics
Classification: Uncertain significance for Cardiovascular phenotype. Last evaluated: 2025-06-01. Review status: criteria provided, single submitter. Criteria: Ambry Variant Classification Scheme 2023. Collection method: clinical testing. Allele origin: germline.
Comment: The p.T37R variant (also known as c.110C>G), located in coding exon 2 of the TRDN gene, results from a C to G substitution at nucleotide position 110. The threonine at codon 37 is replaced by arginine, an amino acid with similar properties. This amino acid position is conserved. In addition, the in silico prediction for this alteration is inconclusive. Based on the available evidence, the clinical significance of this variant remains unclear.